The following is an entry in ClinVar:

ClinVar aggregate classification (germline): Uncertain significance (1 of 4 stars; one submission).

Conditions:
Familial adenomatous polyposis 1 (FAP1). Also called: POLYPOSIS, ADENOMATOUS INTESTINAL; FAMILIAL ADENOMATOUS POLYPOSIS 1, ATTENUATED. Identifiers: MedGen C2713442, MONDO:0021056, OMIM 175100. Disease mechanism: loss of function.

Submission:

Labcorp Genetics (formerly Invitae), Labcorp
Classification: Uncertain significance for Familial adenomatous polyposis 1. Last evaluated: 2018-08-13. Review status: criteria provided, single submitter. Criteria: Invitae Variant Classification Sherloc (09022015). Collection method: clinical testing. Allele origin: germline.
Comment: Algorithms developed to predict the effect of missense changes on protein structure and function are either unavailable or do not agree on the potential impact of this missense change (SIFT: "Deleterious"; PolyPhen-2: "Probably Damaging"; Align-GVGD: "Class C0"). In summary, the available evidence is currently insufficient to determine the role of this variant in disease. Therefore, it has been classified as a Variant of Uncertain Significance. This variant has not been reported in the literature in individuals with APC-related disease. This variant is not present in population databases (ExAC no frequency). This sequence change replaces phenylalanine with leucine at codon 1271 of the APC protein (p.Phe1271Leu). The phenylalanine residue is highly conserved and there is a small physicochemical difference between phenylalanine and leucine.

NM_000038.6(APC):c.3811T>C (p.Phe1271Leu)

Gene: APC (APC regulator of Wnt signaling pathway; plus strand). Cytogenetic location: 5q22.2.
Variant type: single nucleotide variant.
Coding change: c.3811T>C on transcript NM_000038.6 (MANE Select); coding-DNA position 3811, T replaced by C.
Protein change: p.Phe1271Leu; replaces phenylalanine 1271 with leucine.
Molecular consequence: missense variant.
Genome position (GRCh38, 1-based): chr5:112,839,405, T>C. VCF-style: chr5-112839405-T-C. GRCh37 (hg19) VCF-style: chr5-112175102-T-C.
Other names: c.3811T>C, p.Phe1271Leu (NM_001127510.3, NM_001354895.2); c.3757T>C, p.Phe1253Leu (NM_001127511.3); c.3865T>C, p.Phe1289Leu (NM_001354896.2); c.3841T>C, p.Phe1281Leu (NM_001354897.2); c.3736T>C, p.Phe1246Leu (NM_001354898.2); c.3727T>C, p.Phe1243Leu (NM_001354899.2); c.3688T>C, p.Phe1230Leu (NM_001354900.2); c.3634T>C, p.Phe1212Leu (NM_001354901.2); and 5 more; short protein forms F988L, F1170L, F1180L, F1230L, F1243L, F1253L, F1289L, F1111L.
Identifiers: ClinVar variation 657747 (VCV000657747.10), dbSNP rs1580640499, ClinGen allele CA16029692.
Genomic context (GRCh38, chr5:112,839,405, plus strand): 5'-GTTTCTTCTATTAACCAAGAAACAATACAGACTTATTGTGTAGAAGATACTCCAATATGT[T>C]TTTCAAGATGTAGTTCATTATCATCTTTGTCATCAGCTGAAGATGAAATAGGATGTAATC-3'
Protein context (NP_000029.2, residues 1261-1281): TYCVEDTPIC[Phe1271Leu]SRCSSLSSLS